The following is an entry in ClinVar:

ClinVar aggregate classification (germline): Likely benign. Review status: criteria provided, multiple submitters, no conflicts (2 of 4 stars). 2 submissions from 2 submitters: Likely benign (2). Last evaluated 2024-04-01.

Submissions (2):

CeGaT Center for Human Genetics Tuebingen
Classification: Likely benign. Last evaluated: 2024-04-01. Review status: criteria provided, single submitter. Criteria: CeGaT Center For Human Genetics Tuebingen Variant Classification Criteria Version 2. Collection method: clinical testing. Allele origin: germline. Affected: yes. Observed: 1 variant allele.
Comment: OPLAH: BP4, BP7

Labcorp Genetics (formerly Invitae), Labcorp
Classification: Likely benign. Last evaluated: 2018-09-05. Review status: criteria provided, single submitter. Criteria: Invitae Variant Classification Sherloc (09022015). Collection method: clinical testing. Allele origin: germline.

NM_017570.5(OPLAH):c.3444T>G (p.Pro1148=)

Gene: OPLAH (5-oxoprolinase, ATP-hydrolysing; minus strand). Cytogenetic location: 8q24.3.
Variant type: single nucleotide variant.
Coding change: c.3444T>G on transcript NM_017570.5 (MANE Select); coding-DNA position 3444, T replaced by G.
Protein change: p.Pro1148=; no amino-acid change (proline 1148 retained).
Molecular consequence: synonymous variant.
Genome position (GRCh38, 1-based): chr8:144,052,186, A>C on the plus strand (T>G on the coding strand, the complement: OPLAH is on the minus strand). VCF-style: chr8-144052186-A-C. GRCh37 (hg19) VCF-style: chr8-145107089-A-C.
Identifiers: ClinVar variation 738379 (VCV000738379.23), dbSNP rs1587550672, ClinGen allele CA463538581.
Genomic context (GRCh38, chr8:144,052,186, plus strand): 5'-CTCCCACCCGGCCGTGCCCCCAGCCTCCGCGCACGCCGCTCACCGGCTCTCCAGGATCTC[A>C]GGGTCGGTGATGCGTGTGTTGGTCATGTGGCTGTGCACACCGCTGCGCCCGTGCCAGCTG-3'
Protein context (NP_060040.1, residues 1138-1158): SHMTNTRITD[Pro1148=]EILESRYPVI